The following is an entry in ClinVar:

ClinVar aggregate classification (germline): Uncertain significance (1 of 4 stars; one submission).

Conditions:
Long QT syndrome (LQTS). Identifiers: MedGen C0023976, MeSH D008133, MONDO:0002442. Disease mechanism: loss of function. Inheritance: Various modes of inheritance.

Allele frequency attached by ClinVar (database versions not stated): TOPMed below 0.00001.

Submission:

Labcorp Genetics (formerly Invitae), Labcorp
Classification: Uncertain significance for Long QT syndrome. Last evaluated: 2020-06-07. Review status: criteria provided, single submitter. Criteria: Invitae Variant Classification Sherloc (09022015). Collection method: clinical testing. Allele origin: germline.
Comment: In summary, the available evidence is currently insufficient to determine the role of this variant in disease. Therefore, it has been classified as a Variant of Uncertain Significance. Algorithms developed to predict the effect of missense changes on protein structure and function (SIFT, PolyPhen-2, Align-GVGD) all suggest that this variant is likely to be tolerated, but these predictions have not been confirmed by published functional studies and their clinical significance is uncertain. This variant has not been reported in the literature in individuals with KCNH2-related conditions. This variant is not present in population databases (ExAC no frequency). This sequence change replaces glutamic acid with lysine at codon 1118 of the KCNH2 protein (p.Glu1118Lys). The glutamic acid residue is weakly conserved and there is a small physicochemical difference between glutamic acid and lysine.

NM_000238.4(KCNH2):c.3352G>A (p.Glu1118Lys)

Gene: KCNH2 (potassium voltage-gated channel subfamily H member 2; minus strand). Cytogenetic location: 7q36.1.
Variant type: single nucleotide variant.
Coding change: c.3352G>A on transcript NM_000238.4 (MANE Select); coding-DNA position 3352, G replaced by A.
Protein change: p.Glu1118Lys; replaces glutamic acid 1118 with lysine.
Molecular consequence: missense variant.
Genome position (GRCh38, 1-based): chr7:150,945,493, C>T on the plus strand (G>A on the coding strand, the complement: KCNH2 is on the minus strand). VCF-style: chr7-150945493-C-T. GRCh37 (hg19) VCF-style: chr7-150642581-C-T.
Other names: c.2332G>A, p.Glu778Lys (NM_172057.3); short protein forms E1118K, E778K.
Identifiers: ClinVar variation 855130 (VCV000855130.11), dbSNP rs1800858264, ClinGen allele CA369851588.